The following is an entry in ClinVar:

NM_020639.3(RIPK4):c.630G>A (p.Ala210=)

Gene: RIPK4 (receptor interacting serine/threonine kinase 4; minus strand). Cytogenetic location: 21q22.3.
Variant type: single nucleotide variant.
Coding change: c.630G>A on transcript NM_020639.3 (MANE Select); coding-DNA position 630, G replaced by A.
Protein change: p.Ala210=; no amino-acid change (alanine 210 retained).
Molecular consequence: synonymous variant.
Genome position (GRCh38, 1-based): chr21:41,749,197, C>T on the plus strand (G>A on the coding strand, the complement: RIPK4 is on the minus strand). VCF-style: chr21-41749197-C-T. GRCh37 (hg19) VCF-style: chr21-43169357-C-T.
Identifiers: ClinVar variation 340030 (VCV000340030.8), dbSNP rs2838114, ClinGen allele CA10035691.

ClinVar aggregate classification (germline): Benign/Likely benign. Review status: criteria provided, multiple submitters, no conflicts (2 of 4 stars). 3 submissions from 3 submitters: Benign (1); Likely benign (2). Last evaluated 2019-11-02.

Conditions:
Bartsocas-Papas syndrome 1. Also called: Bartsocas-Papas syndrome; MULTIPLE PTERYGIUM SYNDROME, ASLAN TYPE; PTERYGIUM, POPLITEAL, LETHAL TYPE. Identifiers: Orphanet 1234, MedGen C1849718, MONDO:0009901, OMIM 263650.

Allele frequency attached by ClinVar (database versions not stated): 1000 Genomes Project 0.07109; 1000 Genomes Project 30x 0.07167.

Submissions (3):

GeneDx
Classification: Benign. Last evaluated: 2019-11-02. Review status: criteria provided, single submitter. Criteria: GeneDx Variant Classification Process June 2021. Collection method: clinical testing. Allele origin: germline. Affected: yes.

Illumina Laboratory Services, Illumina
Classification: Likely benign for Bartsocas-Papas syndrome 1. Last evaluated: 2017-04-27. Review status: criteria provided, single submitter. Criteria: ICSL Variant Classification Criteria 13 December 2019. Collection method: clinical testing. Allele origin: germline.
Comment: This variant was observed as part of a predisposition screen in an ostensibly healthy population. A literature search was performed for the gene, cDNA change, and amino acid change (where applicable). No publications were found based on this search. Allele frequency data from public databases allowed determination this variant is unlikely to cause disease. Therefore, this variant is classified as likely benign.

Breakthrough Genomics
Classification: Likely benign. Review status: criteria provided, single submitter. Criteria: ACMG Guidelines, 2015. Collection method: not provided. Allele origin: germline. Inheritance: Autosomal recessive inheritance. Affected: yes.